The following is an entry in ClinVar:

ClinVar aggregate classification (germline): Uncertain significance (1 of 4 stars; one submission).

Conditions:
Autosomal recessive mendelian susceptibility to mycobacterial diseases due to complete RORgamma receptor deficiency. Also called: Immunodeficiency 42. Identifiers: Orphanet 477857, MedGen C5567647, MONDO:0014710, OMIM 616622.

Allele frequency attached by ClinVar (database versions not stated): gnomAD exomes below 0.00001.
gnomAD v4.1: 2 of 1,614,164 alleles (0.00012%); highest among the groups gnomAD compares: Non-Finnish European, 0.00017%; no homozygotes.

Submission:

Labcorp Genetics (formerly Invitae), Labcorp
Classification: Uncertain significance for Autosomal recessive mendelian susceptibility to mycobacterial diseases due to complete RORgamma receptor deficiency. Last evaluated: 2022-07-05. Review status: criteria provided, single submitter. Criteria: Invitae Variant Classification Sherloc (09022015). Collection method: clinical testing. Allele origin: germline.
Comment: In summary, the available evidence is currently insufficient to determine the role of this variant in disease. Therefore, it has been classified as a Variant of Uncertain Significance. Algorithms developed to predict the effect of missense changes on protein structure and function output the following: SIFT: "Tolerated"; PolyPhen-2: "Benign"; Align-GVGD: "Class C0". The proline amino acid residue is found in multiple mammalian species, which suggests that this missense change does not adversely affect protein function. ClinVar contains an entry for this variant (Variation ID: 542375). This variant has not been reported in the literature in individuals affected with RORC-related conditions. The frequency data for this variant in the population databases is considered unreliable, as metrics indicate poor data quality at this position in the gnomAD database. This sequence change replaces serine, which is neutral and polar, with proline, which is neutral and non-polar, at codon 199 of the RORC protein (p.Ser199Pro).

NM_005060.4(RORC):c.595T>C (p.Ser199Pro)

Gene: RORC (RAR related orphan receptor C; minus strand). Cytogenetic location: 1q21.3.
Variant type: single nucleotide variant.
Coding change: c.595T>C on transcript NM_005060.4 (MANE Select); coding-DNA position 595, T replaced by C.
Protein change: p.Ser199Pro; replaces serine 199 with proline.
Molecular consequence: missense variant.
Genome position (GRCh38, 1-based): chr1:151,815,129, A>G on the plus strand (T>C on the coding strand, the complement: RORC is on the minus strand). VCF-style: chr1-151815129-A-G. GRCh37 (hg19) VCF-style: chr1-151787605-A-G.
Other names: c.532T>C, p.Ser178Pro (NM_001001523.2, LRG_1322t2); c.595T>C, p.Ser199Pro (LRG_1322t1); short protein forms S199P, S178P.
Identifiers: ClinVar variation 542375 (VCV000542375.8), dbSNP rs1161656885, ClinGen allele CA342016499.